The following is an entry in ClinVar:

ClinVar aggregate classification (germline): Uncertain significance (1 of 4 stars; one submission).

Submission:

GeneDx
Classification: Uncertain significance. Last evaluated: 2025-06-12. Review status: criteria provided, single submitter. Criteria: GeneDx Variant Classification Process June 2021. Collection method: clinical testing. Allele origin: germline. Affected: yes.
Comment: Not observed at significant frequency in large population cohorts (gnomAD); In silico analysis supports that this missense variant has a deleterious effect on protein structure/function; Has not been previously published as pathogenic or benign to our knowledge

NM_006164.5(NFE2L2):c.1364C>T (p.Thr455Ile)

Gene: NFE2L2 (NFE2 like bZIP transcription factor 2; minus strand). Cytogenetic location: 2q31.2.
Variant type: single nucleotide variant.
Coding change: c.1364C>T on transcript NM_006164.5 (MANE Select); coding-DNA position 1364, C replaced by T.
Protein change: p.Thr455Ile; replaces threonine 455 with isoleucine.
Molecular consequence: missense variant.
Genome position (GRCh38, 1-based): chr2:177,231,239, G>A on the plus strand (C>T on the coding strand, the complement: NFE2L2 is on the minus strand). VCF-style: chr2-177231239-G-A. GRCh37 (hg19) VCF-style: chr2-178095967-G-A.
Other names: c.1316C>T, p.Thr439Ile (NM_001145412.3, NM_001313900.1, NM_001313901.1); c.1295C>T, p.Thr432Ile (NM_001145413.3); c.1274C>T, p.Thr425Ile (NM_001313902.2); c.1145C>T, p.Thr382Ile (NM_001313903.2); c.1064C>T, p.Thr355Ile (NM_001313904.1); short protein forms T355I, T382I, T425I, T432I, T439I, T455I.
Identifiers: ClinVar variation 4537763 (VCV004537763.1).
Genomic context (GRCh38, chr2:177,231,239, plus strand): 5'-TTAATGATTTTTTCTACAGGGAATGGGATATGGAGAGCTTTTGCCCTAAGTTCATCTCTT[G>A]TGAGATGAGCCTCCAAGCGGCTTGAATGTTTGTCTTTTGTGAATGGGGTTTTCCGATGAC-3'
Protein context (NP_006155.2, residues 445-465): KHSSRLEAHL[Thr455Ile]RDELRAKALH